The following is an entry in ClinVar:

ClinVar aggregate classification (germline): Likely benign. Review status: criteria provided, multiple submitters, no conflicts (2 of 4 stars). 4 submissions from 4 submitters: Likely benign (4). Last evaluated 2024-12-31.

Conditions:
Cardiomyopathy (CMYO). Also called: Cardiomyopathies. Identifiers: Orphanet 167848, MedGen C0878544, MONDO:0004994, HP:0001638. Inheritance: Various modes of inheritance.
Arrhythmogenic right ventricular dysplasia 8 (ARVD8). Also called: ARRHYTHMOGENIC RIGHT VENTRICULAR DYSPLASIA, FAMILIAL, 8; ARRHYTHMOGENIC RIGHT VENTRICULAR CARDIOMYOPATHY 8; Arrhythmogenic Right Ventricular Dysplasia/Cardiomyopathy 8. Identifiers: MedGen C1843896, MONDO:0011831, OMIM 607450.
Arrhythmogenic cardiomyopathy with wooly hair and keratoderma. Also called: Arrhythmogenic cardiomyopathy with woolly hair and keratoderma; PALMOPLANTAR KERATODERMA WITH LEFT VENTRICULAR CARDIOMYOPATHY AND WOOLLY HAIR; Dilated cardiomyopathy with woolly hair and keratoderma; Carvajal syndrome. Identifiers: Orphanet 65282, MedGen C1854063, MONDO:0011581, OMIM 605676.

gnomAD v4.1: 5 of 1,613,910 alleles (0.00031%); highest among the groups gnomAD compares: African/African-American, 0.004%; no homozygotes.

Submissions (4):

Mayo Clinic Laboratories, Mayo Clinic
Classification: Likely benign. Last evaluated: 2024-12-31. Review status: criteria provided, single submitter. Criteria: ACMG Guidelines, 2015. Collection method: clinical testing. Allele origin: germline. Observed: 1 variant allele.
Comment: BP4, BP7, PM2_supporting

Labcorp Genetics (formerly Invitae), Labcorp
Classification: Likely benign for Arrhythmogenic cardiomyopathy with wooly hair and keratoderma; Arrhythmogenic right ventricular dysplasia 8. Last evaluated: 2024-12-30. Review status: criteria provided, single submitter. Criteria: Invitae Variant Classification Sherloc (09022015). Collection method: clinical testing. Allele origin: germline.

Color Diagnostics, LLC DBA Color Health
Classification: Likely benign for Cardiomyopathy. Last evaluated: 2022-03-09. Review status: criteria provided, single submitter. Criteria: ACMG Guidelines, 2015. Collection method: clinical testing. Allele origin: germline.

Laboratory for Molecular Medicine, Mass General Brigham Personalized Medicine
Classification: Likely benign. Last evaluated: 2014-11-17. Review status: criteria provided, single submitter. Criteria: LMM Criteria. Collection method: clinical testing. Allele origin: germline. Observed: 1 variant allele.
Comment: p.Thr2218Thr in exon 24 of DSP: This variant is not expected to have clinical si gnificance because it does not alter an amino acid residue and is not located wi thin the splice consensus sequence.

NM_004415.4(DSP):c.6654C>G (p.Thr2218=)

Gene: DSP (desmoplakin; plus strand). Cytogenetic location: 6p24.3.
Variant type: single nucleotide variant.
Coding change: c.6654C>G on transcript NM_004415.4 (MANE Select); coding-DNA position 6654, C replaced by G.
Protein change: p.Thr2218=; no amino-acid change (threonine 2218 retained).
Molecular consequence: synonymous variant.
Genome position (GRCh38, 1-based): chr6:7,583,916, C>G. VCF-style: chr6-7583916-C-G. GRCh37 (hg19) VCF-style: chr6-7584149-C-G.
Other names: p.Thr2218=; c.4857C>G, p.Thr1619= (NM_001008844.3); c.5325C>G, p.Thr1775= (NM_001319034.2).
Identifiers: ClinVar variation 163285 (VCV000163285.12), dbSNP rs727503005, ClinGen allele CA006996.